The following is an entry in ClinVar:

NM_002386.4(MC1R):c.645C>A (p.Cys215Ter)

Gene: MC1R (melanocortin 1 receptor; plus strand). Cytogenetic location: 16q24.3.
Variant type: single nucleotide variant.
Coding change: c.645C>A on transcript NM_002386.4 (MANE Select); coding-DNA position 645, C replaced by A.
Protein change: p.Cys215Ter; replaces cysteine 215 with a stop codon.
Molecular consequence: nonsense.
Genome position (GRCh38, 1-based): chr16:89,919,903, C>A. VCF-style: chr16-89919903-C-A. GRCh37 (hg19) VCF-style: chr16-89986311-C-A.
Other names: short protein forms C215*.
Identifiers: ClinVar variation 239158 (VCV000239158.8), dbSNP rs878854501, ClinGen allele CA10583444.

ClinVar aggregate classification (germline): Uncertain significance (1 of 4 stars; one submission).

Conditions:
Melanoma, cutaneous malignant, susceptibility to, 5. Also called: Cutaneous malignant melanoma 5. Identifiers: Orphanet 618, MedGen C2751295, MONDO:0013133, OMIM 613099.

Submission:

Labcorp Genetics (formerly Invitae), Labcorp
Classification: Uncertain significance for Melanoma, cutaneous malignant, susceptibility to, 5. Last evaluated: 2022-07-19. Review status: criteria provided, single submitter. Criteria: Invitae Variant Classification Sherloc (09022015). Collection method: clinical testing. Allele origin: germline.
Comment: In summary, the available evidence is currently insufficient to determine the role of this variant in disease. Therefore, it has been classified as a Variant of Uncertain Significance. ClinVar contains an entry for this variant (Variation ID: 239158). This variant has not been reported in the literature in individuals affected with MC1R-related conditions. This variant is not present in population databases (gnomAD no frequency). This sequence change creates a premature translational stop signal (p.Cys215*) in the MC1R gene. While this is not anticipated to result in nonsense mediated decay, it is expected to disrupt the last 103 amino acid(s) of the MC1R protein.